The following is an entry in ClinVar:

ClinVar aggregate classification (germline): Benign. Review status: criteria provided, multiple submitters, no conflicts (2 of 4 stars). 7 submissions from 7 submitters: Benign (5). 2 of the submissions do not count toward it. Last evaluated 2026-02-02.

Conditions:
Bethlem myopathy 1A. Also called: Bethlem myopathy 1; Bethlem Muscular Dystrophy; MYOPATHY, BENIGN CONGENITAL, WITH CONTRACTURES. Identifiers: Orphanet 610, MedGen CN029274, MONDO:0024530, OMIM 158810.

Allele frequency attached by ClinVar (database versions not stated): 1000 Genomes Project 30x 0.10821; TOPMed 0.08833; 1000 Genomes Project 0.10743; ESP Exome Variant Server 0.06331.
gnomAD v4.1: 136,278 of 1,569,514 alleles (8.7%); highest among the groups gnomAD compares: East Asian, 21%; 6,576 homozygotes.

Submissions (7):

Labcorp Genetics (formerly Invitae), Labcorp
Classification: Benign for Bethlem myopathy 1A. Last evaluated: 2026-02-02. Review status: criteria provided, single submitter. Criteria: Invitae Variant Classification Sherloc (09022015). Collection method: clinical testing. Allele origin: germline.

GeneDx
Classification: Benign. Last evaluated: 2016-01-25. Review status: criteria provided, single submitter. Criteria: GeneDx Variant Classification (06012015). Collection method: clinical testing. Allele origin: germline. Affected: yes.
Comment: This variant is considered likely benign or benign based on one or more of the following criteria: it is a conservative change, it occurs at a poorly conserved position in the protein, it is predicted to be benign by multiple in silico algorithms, and/or has population frequency not consistent with disease.

Eurofins Ntd Llc (ga)
Classification: Benign. Last evaluated: 2012-07-31. Review status: criteria provided, single submitter. Criteria: EGL Classification Definitions 2015. Collection method: clinical testing. Allele origin: germline. Observed: 15 variant alleles, 15 heterozygotes.

Breakthrough Genomics
Classification: Benign. Review status: criteria provided, single submitter. Criteria: ACMG Guidelines, 2015. Collection method: not provided. Allele origin: germline. Inheritance: Autosomal recessive inheritance. Affected: yes.

PreventionGenetics, part of Exact Sciences
Classification: Benign. Review status: criteria provided, single submitter. Criteria: ACMG Guidelines, 2015. Collection method: clinical testing. Allele origin: germline.

Clinical Genetics, Academic Medical Center
Classification: Benign. Review status: no assertion criteria provided. Collection method: clinical testing. Allele origin: germline. Affected: yes. Study: VKGL Data-share Consensus. Not counted in ClinVar's aggregate classification.

Joint Genome Diagnostic Labs from Nijmegen and Maastricht, Radboudumc and MUMC+
Classification: Benign. Review status: no assertion criteria provided. Collection method: clinical testing. Allele origin: germline. Affected: yes. Study: VKGL Data-share Consensus. Not counted in ClinVar's aggregate classification.

NM_001848.3(COL6A1):c.1524+19G>C

Gene: COL6A1 (collagen type VI alpha 1 chain; plus strand). Cytogenetic location: 21q22.3.
Variant type: single nucleotide variant.
Coding change: c.1524+19G>C on transcript NM_001848.3 (MANE Select); 19 bases into the intron after coding-DNA position 1524, G replaced by C.
Molecular consequence: intron variant.
Genome position (GRCh38, 1-based): chr21:45,997,781, G>C. VCF-style: chr21-45997781-G-C. GRCh37 (hg19) VCF-style: chr21-47417695-G-C.
Identifiers: ClinVar variation 93821 (VCV000093821.18), dbSNP rs2276256, ClinGen allele CA147334.